The following is an entry in ClinVar:

NM_015072.5(TTLL5):c.541C>G (p.Pro181Ala)

Gene: TTLL5 (tubulin tyrosine ligase like 5; plus strand). Cytogenetic location: 14q24.3.
Variant type: single nucleotide variant.
Coding change: c.541C>G on transcript NM_015072.5 (MANE Select); coding-DNA position 541, C replaced by G.
Protein change: p.Pro181Ala; replaces proline 181 with alanine.
Molecular consequence: missense variant.
Genome position (GRCh38, 1-based): chr14:75,699,226, C>G. VCF-style: chr14-75699226-C-G. GRCh37 (hg19) VCF-style: chr14-76165569-C-G.
Other names: short protein forms P181A.
Identifiers: ClinVar variation 843397 (VCV000843397.10), dbSNP rs1886084675, ClinGen allele CA390455600.

ClinVar aggregate classification (germline): Uncertain significance. Review status: criteria provided, multiple submitters, no conflicts (2 of 4 stars). 2 submissions from 2 submitters: Uncertain significance (2). Last evaluated 2022-07-12.

Submissions (2):

Labcorp Genetics (formerly Invitae), Labcorp
Classification: Uncertain significance. Last evaluated: 2022-07-12. Review status: criteria provided, single submitter. Criteria: Invitae Variant Classification Sherloc (09022015). Collection method: clinical testing. Allele origin: germline.
Comment: This sequence change replaces proline, which is neutral and non-polar, with alanine, which is neutral and non-polar, at codon 181 of the TTLL5 protein (p.Pro181Ala). This variant is not present in population databases (gnomAD no frequency). This variant has not been reported in the literature in individuals affected with TTLL5-related conditions. ClinVar contains an entry for this variant (Variation ID: 843397). Algorithms developed to predict the effect of missense changes on protein structure and function (SIFT, PolyPhen-2, Align-GVGD) all suggest that this variant is likely to be disruptive. In summary, the available evidence is currently insufficient to determine the role of this variant in disease. Therefore, it has been classified as a Variant of Uncertain Significance.

Blueprint Genetics
Classification: Uncertain significance. Last evaluated: 2019-08-19. Review status: criteria provided, single submitter. Criteria: ACMG Guidelines, 2015. Collection method: clinical testing. Allele origin: germline.